The following is an entry in ClinVar:

NM_201384.3(PLEC):c.12721G>A (p.Gly4241Ser)

Gene: PLEC (plectin; minus strand). Cytogenetic location: 8q24.3.
Variant type: single nucleotide variant.
Coding change: c.12721G>A on transcript NM_201384.3 (MANE Select); coding-DNA position 12721, G replaced by A.
Protein change: p.Gly4241Ser; replaces glycine 4241 with serine.
Molecular consequence: missense variant.
Genome position (GRCh38, 1-based): chr8:143,917,100, C>T on the plus strand (G>A on the coding strand, the complement: PLEC is on the minus strand). VCF-style: chr8-143917100-C-T. GRCh37 (hg19) VCF-style: chr8-144991268-C-T.
Other names: c.12802G>A, p.Gly4268Ser (NM_000445.5); c.12679G>A, p.Gly4227Ser (NM_201378.4); c.12655G>A, p.Gly4219Ser (NM_201379.3); c.13132G>A, p.Gly4378Ser (NM_201380.4); c.12625G>A, p.Gly4209Ser (NM_201381.3); c.12721G>A, p.Gly4241Ser (NM_201382.4); c.12733G>A, p.Gly4245Ser (NM_201383.3); short protein forms G4209S, G4227S, G4241S, G4245S, G4219S, G4268S, G4378S.
Identifiers: ClinVar variation 950439 (VCV000950439.21), dbSNP rs782789434, ClinGen allele CA4923998.

ClinVar aggregate classification (germline): Conflicting classifications of pathogenicity. Review status: criteria provided, conflicting classifications (1 of 4 stars). 7 submissions from 7 submitters: Uncertain significance (6); Likely benign (1). Last evaluated 2026-05-24.

Conditions:
PLEC-related disorder. Also called: PLEC-related condition; PLEC-related disorders.
Epidermolysis bullosa simplex 5B, with muscular dystrophy (EBS5B). Also called: Epidermolysis bullosa simplex with muscular dystrophy; EPIDERMOLYSIS BULLOSA SIMPLEX AND LIMB-GIRDLE MUSCULAR DYSTROPHY. Identifiers: Orphanet 257, MedGen C2931072, MONDO:0009181, OMIM 226670.
Epidermolysis bullosa simplex, Ogna type (EBS5A). Also called: Pidermolysis bullosa simplex 5A, Ogna type; EPIDERMOLYSIS BULLOSA SIMPLEX 5A, OGNA TYPE. Identifiers: Orphanet 79401, MedGen C0432317, MONDO:0007555, OMIM 131950.
Autosomal recessive limb-girdle muscular dystrophy type 2Q (LGMDR17). Also called: MUSCULAR DYSTROPHY, LIMB-GIRDLE, AUTOSOMAL RECESSIVE 17. Identifiers: Orphanet 254361, MedGen C3150989, MONDO:0013390, OMIM 613723.
Epidermolysis bullosa simplex 5C, with pyloric atresia (EBS5C). Also called: PLEC-Related Epidermolysis Bullosa with Pyloric Atresia; Epidermolysis bullosa simplex with pyloric atresia; PLEC1-Related Epidermolysis Bullosa with Pyloric Atresia. Identifiers: Orphanet 158684, MedGen C2677349, MONDO:0012807, OMIM 612138.
Epidermolysis bullosa simplex with nail dystrophy (EBS5D). Identifiers: MedGen C4225309, MONDO:0014661, OMIM 616487.
Inborn genetic diseases. Identifiers: MedGen C0950123, MeSH D030342.

Allele frequency attached by ClinVar (database versions not stated): gnomAD 0.00002; TOPMed 0.00003; gnomAD exomes 0.00006; ExAC 0.00009; 1000 Genomes Project 30x 0.00016.
gnomAD v4.1: 128 of 1,605,468 alleles (0.008%); highest among the groups gnomAD compares: Middle Eastern, 0.083%; no homozygotes.

Submissions (7):

PreventionGenetics, part of Exact Sciences
Classification: Uncertain significance for PLEC-related condition. Last evaluated: 2026-05-24. Review status: criteria provided, single submitter. Criteria: ACMG Guidelines, 2015. Collection method: clinical testing. Allele origin: germline.
Comment: The PLEC c.12802G>A variant is predicted to result in the amino acid substitution p.Gly4268Ser. To our knowledge, this variant has not been reported in the literature. This variant is reported in 0.0083% of alleles in individuals of African descent in gnomAD. At this time, the clinical significance of this variant is uncertain due to the absence of conclusive functional and genetic evidence.

CeGaT Center for Human Genetics Tuebingen
Classification: Uncertain significance. Last evaluated: 2025-09-01. Review status: criteria provided, single submitter. Criteria: CeGaT Center For Human Genetics Tuebingen Variant Classification Criteria Version 2. Collection method: clinical testing. Allele origin: germline. Affected: yes. Observed: 1 variant allele.
Comment: PLEC: PM2, BP4

Labcorp Genetics (formerly Invitae), Labcorp
Classification: Uncertain significance for Autosomal recessive limb-girdle muscular dystrophy type 2Q; Epidermolysis bullosa simplex, Ogna type; Epidermolysis bullosa simplex with nail dystrophy; Epidermolysis bullosa simplex 5C, with pyloric atresia; Epidermolysis bullosa simplex 5B, with muscular dystrophy. Last evaluated: 2025-09-01. Review status: criteria provided, single submitter. Criteria: Invitae Variant Classification Sherloc (09022015). Collection method: clinical testing. Allele origin: germline.
Comment: This sequence change replaces glycine, which is neutral and non-polar, with serine, which is neutral and polar, at codon 4268 of the PLEC protein (p.Gly4268Ser). This variant is present in population databases (rs782789434, gnomAD 0.008%). This variant has not been reported in the literature in individuals affected with PLEC-related conditions. ClinVar contains an entry for this variant (Variation ID: 950439). Invitae Evidence Modeling of protein sequence and biophysical properties (such as structural, functional, and spatial information, amino acid conservation, physicochemical variation, residue mobility, and thermodynamic stability) indicates that this missense variant is not expected to disrupt PLEC protein function with a negative predictive value of 80%. In summary, the available evidence is currently insufficient to determine the role of this variant in disease. Therefore, it has been classified as a Variant of Uncertain Significance.

Revvity Omics, Revvity
Classification: Uncertain significance. Last evaluated: 2023-04-26. Review status: criteria provided, single submitter. Criteria: ACMG Guidelines, 2015. Collection method: clinical testing. Allele origin: germline.

Ambry Genetics
Classification: Likely benign for Inborn genetic diseases. Last evaluated: 2023-02-16. Review status: criteria provided, single submitter. Criteria: Ambry Variant Classification Scheme 2023. Collection method: clinical testing. Allele origin: germline.

Athena Diagnostics
Classification: Uncertain significance. Last evaluated: 2021-01-27. Review status: criteria provided, single submitter. Criteria: Athena Diagnostics criteria. Collection method: clinical testing. Allele origin: unknown.

GeneDx
Classification: Uncertain significance. Last evaluated: 2020-10-16. Review status: criteria provided, single submitter. Criteria: GeneDx Variant Classification Process June 2021. Collection method: clinical testing. Allele origin: germline. Affected: yes.
Comment: Not observed at a significant frequency in large population cohorts (Lek et al., 2016); In silico analysis supports that this missense variant does not alter protein structure/function; Has not been previously published as pathogenic or benign to our knowledge